The following is an entry in ClinVar:

NM_006978.3(RNF113A):c.375G>C (p.Glu125Asp)

Gene: RNF113A (ring finger protein 113A; minus strand). Cytogenetic location: Xq24.
Variant type: single nucleotide variant.
Coding change: c.375G>C on transcript NM_006978.3 (MANE Select); coding-DNA position 375, G replaced by C.
Protein change: p.Glu125Asp; replaces glutamic acid 125 with aspartic acid.
Molecular consequence: missense variant.
Genome position (GRCh38, 1-based): chrX:119,871,239, C>G on the plus strand (G>C on the coding strand, the complement: RNF113A is on the minus strand). VCF-style: chrX-119871239-C-G. GRCh37 (hg19) VCF-style: chrX-119005202-C-G.
Other names: short protein forms E125D.
Identifiers: ClinVar variation 2787449 (VCV002787449.3), dbSNP rs145228372, ClinGen allele CA414188467.
Genomic context (GRCh38, chrX:119,871,239, plus strand): 5'-CCTCAGCTCCTCCTGGATCTTCTGGCTGCGCTCAAAGATGGCTTGTGCATCGCGCTCTTT[C>G]TCTGTGTCCAGCTCATAGACAGCTGTCGCTCCCATATCCTCTGGTCCCACGGGTTTCGCC-3'
Protein context (NP_008909.1, residues 115-135): GATAVYELDT[Glu125Asp]KERDAQAIFE

ClinVar aggregate classification (germline): Uncertain significance (1 of 4 stars; one submission).

Allele frequency attached by ClinVar (database versions not stated): gnomAD exomes below 0.00001; ESP Exome Variant Server 0.00009.
gnomAD v4.1: 4 of 1,209,959 alleles (0.00033%); highest among the groups gnomAD compares: Non-Finnish European, 0.00045%; no homozygotes.

Submission:

Labcorp Genetics (formerly Invitae), Labcorp
Classification: Uncertain significance. Last evaluated: 2024-04-25. Review status: criteria provided, single submitter. Criteria: Invitae Variant Classification Sherloc (09022015). Collection method: clinical testing. Allele origin: germline.
Comment: This sequence change replaces glutamic acid, which is acidic and polar, with aspartic acid, which is acidic and polar, at codon 125 of the RNF113A protein (p.Glu125Asp). This variant is not present in population databases (gnomAD no frequency). This variant has not been reported in the literature in individuals affected with RNF113A-related conditions. Advanced modeling of protein sequence and biophysical properties (such as structural, functional, and spatial information, amino acid conservation, physicochemical variation, residue mobility, and thermodynamic stability) performed at Invitae indicates that this missense variant is not expected to disrupt RNF113A protein function with a negative predictive value of 80%. In summary, the available evidence is currently insufficient to determine the role of this variant in disease. Therefore, it has been classified as a Variant of Uncertain Significance.